The following is an entry in ClinVar:

ClinVar aggregate classification (germline): Uncertain significance (1 of 4 stars; one submission).

Conditions:
Hereditary cancer-predisposing syndrome. Also called: Tumor predisposition; Neoplastic Syndromes, Hereditary; Hereditary Cancer Syndrome; Hereditary neoplastic syndrome. Identifiers: Orphanet 140162, MedGen C0027672, MeSH D009386, MONDO:0015356.

Submission:

Ambry Genetics
Classification: Uncertain significance for Hereditary cancer-predisposing syndrome. Last evaluated: 2026-02-06. Review status: criteria provided, single submitter. Criteria: Ambry Variant Classification Scheme 2023. Collection method: clinical testing. Allele origin: germline.
Comment: The c.2117-5G>T intronic variant results from a G to T substitution 5 nucleotides upstream from coding exon 13 in the DICER1 gene. This nucleotide position is poorly conserved in available vertebrate species. In silico splice site analysis predicts that this alteration will not have any significant effect on splicing. Based on the available evidence, the clinical significance of this variant remains unclear.

NM_177438.3(DICER1):c.2117-5G>T

Gene: DICER1 (dicer 1, ribonuclease III; minus strand). Cytogenetic location: 14q32.13.
Variant type: single nucleotide variant.
Coding change: c.2117-5G>T on transcript NM_177438.3 (MANE Select); 5 bases into the intron before coding-DNA position 2117, G replaced by T.
Molecular consequence: intron variant.
Genome position (GRCh38, 1-based): chr14:95,111,461, C>A on the plus strand (G>T on the coding strand, the complement: DICER1 is on the minus strand). VCF-style: chr14-95111461-C-A. GRCh37 (hg19) VCF-style: chr14-95577798-C-A.
Other names: c.2117-5G>T (NM_001291628.2, NM_030621.4, NM_001271282.3 and 1 more transcripts).
Identifiers: ClinVar variation 820650 (VCV000820650.5), dbSNP rs1486214757, ClinGen allele CA915946394.